The following is an entry in ClinVar:

ClinVar aggregate classification (germline): Uncertain significance (1 of 4 stars; one submission).

Submission:

Ambry Genetics
Classification: Uncertain significance. Last evaluated: 2021-12-01. Review status: criteria provided, single submitter. Criteria: Ambry Variant Classification Scheme 2023. Collection method: clinical testing. Allele origin: germline.
Comment: The p.K2347R variant (also known as c.7040A>G), located in coding exon 53 of the PRKDC gene, results from an A to G substitution at nucleotide position 7040. The lysine at codon 2347 is replaced by arginine, an amino acid with highly similar properties. This amino acid position is conserved. Since supporting evidence is limited at this time, the clinical significance of this alteration remains unclear.

NM_006904.7(PRKDC):c.7040A>G (p.Lys2347Arg)

Gene: PRKDC (protein kinase, DNA-activated, catalytic subunit; minus strand). Cytogenetic location: 8q11.21.
Variant type: single nucleotide variant.
Coding change: c.7040A>G on transcript NM_006904.7 (MANE Select); coding-DNA position 7040, A replaced by G.
Protein change: p.Lys2347Arg; replaces lysine 2347 with arginine.
Molecular consequence: missense variant.
Genome position (GRCh38, 1-based): chr8:47,849,469, T>C on the plus strand (A>G on the coding strand, the complement: PRKDC is on the minus strand). VCF-style: chr8-47849469-T-C. GRCh37 (hg19) VCF-style: chr8-48762030-T-C.
Other names: c.7040A>G, p.Lys2347Arg (NM_001081640.2); short protein forms K2347R.
Identifiers: ClinVar variation 1756841 (VCV001756841.2), dbSNP rs2088353506, ClinGen allele CA371157999.